The following is an entry in ClinVar:

NM_000254.3(MTR):c.2595-2A>G

Gene: MTR (5-methyltetrahydrofolate-homocysteine methyltransferase; plus strand). Cytogenetic location: 1q43.
Variant type: single nucleotide variant.
Coding change: c.2595-2A>G on transcript NM_000254.3 (MANE Select); the canonical splice acceptor site of the intron before coding-DNA position 2595, A replaced by G.
Molecular consequence: splice acceptor variant.
Genome position (GRCh38, 1-based): chr1:236,880,753, A>G. VCF-style: chr1-236880753-A-G. GRCh37 (hg19) VCF-style: chr1-237044053-A-G.
Other names: c.2442-2A>G (NM_001291939.1); c.2406-2A>G (NM_001410942.1); c.1374-2A>G (NM_001291940.2).
Identifiers: ClinVar variation 1335818 (VCV001335818.5), dbSNP rs1558334603, ClinGen allele CA345382771.

ClinVar aggregate classification (germline): Likely pathogenic. Review status: criteria provided, multiple submitters, no conflicts (2 of 4 stars). 2 submissions from 2 submitters: Likely pathogenic (2). Last evaluated 2023-04-07.

Conditions:
Methylcobalamin deficiency type cblG (HMAG). Also called: Functional methionine synthase deficiency type cblG; HOMOCYSTINURIA-MEGALOBLASTIC ANEMIA DUE TO DEFECT IN COBALAMIN METABOLISM, cblG COMPLEMENTATION TYPE; HOMOCYSTINURIA-MEGALOBLASTIC ANEMIA, cblG COMPLEMENTATION TYPE; HOMOCYSTINURIA-MEGALOBLASTIC ANEMIA, cblG TYPE. Identifiers: Orphanet 2170, Orphanet 622, MedGen C1855128, MONDO:0009609, OMIM 250940.

Allele frequency attached by ClinVar (database versions not stated): gnomAD exomes below 0.00001 and 0.00001; TOPMed below 0.00001.
gnomAD v4.1: 19 of 1,613,884 alleles (0.0012%); highest among the groups gnomAD compares: Non-Finnish European, 0.0014%; no homozygotes.

Submissions (2):

Labcorp Genetics (formerly Invitae), Labcorp
Classification: Likely pathogenic for Methylcobalamin deficiency type cblG. Last evaluated: 2023-04-07. Review status: criteria provided, single submitter. Criteria: Invitae Variant Classification Sherloc (09022015). Collection method: clinical testing. Allele origin: germline.
Comment: This sequence change affects an acceptor splice site in intron 24 of the MTR gene. It is expected to disrupt RNA splicing. Variants that disrupt the donor or acceptor splice site typically lead to a loss of protein function (PMID: 16199547), and loss-of-function variants in MTR are known to be pathogenic (PMID: 9683607, 12068375). In summary, the currently available evidence indicates that the variant is pathogenic, but additional data are needed to prove that conclusively. Therefore, this variant has been classified as Likely Pathogenic. Algorithms developed to predict the effect of sequence changes on RNA splicing suggest that this variant may disrupt the consensus splice site. ClinVar contains an entry for this variant (Variation ID: 1335818). This variant has not been reported in the literature in individuals affected with MTR-related conditions. This variant is not present in population databases (gnomAD no frequency).

GeneDx
Classification: Likely pathogenic. Last evaluated: 2022-01-13. Review status: criteria provided, single submitter. Criteria: GeneDx Variant Classification Process June 2021. Collection method: clinical testing. Allele origin: germline. Affected: yes.
Comment: Canonical splice site variant predicted to result in a null allele in a gene for which loss-of-function is a known mechanism of disease; Not observed at significant frequency in large population cohorts (gnomAD); Has not been previously published as pathogenic or benign to our knowledge

Literature cited by the submitters: PubMed 16199547 (cited by Labcorp Genetics (formerly Invitae), Labcorp); PubMed 9683607 (cited by Labcorp Genetics (formerly Invitae), Labcorp); PubMed 12068375 (cited by Labcorp Genetics (formerly Invitae), Labcorp).